The following is an entry in ClinVar:

ClinVar aggregate classification (germline): Uncertain significance (1 of 4 stars; one submission).

Conditions:
Autosomal dominant nonsyndromic hearing loss 1. Also called: DEAFNESS, AUTOSOMAL DOMINANT 1, WITH OR WITHOUT THROMBOCYTOPENIA; KONIGSMARK SYNDROME. Identifiers: Orphanet 90635, MedGen C1852282, MONDO:0007424, OMIM 124900.
Progressive microcephaly-seizures-cortical blindness-developmental delay syndrome. Also called: Seizures, cortical blindness, and microcephaly syndrome. Identifiers: Orphanet 477814, MedGen C5567650, MONDO:0014714, OMIM 616632.

Submission:

Labcorp Genetics (formerly Invitae), Labcorp
Classification: Uncertain significance for Progressive microcephaly-seizures-cortical blindness-developmental delay syndrome; Autosomal dominant nonsyndromic hearing loss 1. Last evaluated: 2023-02-22. Review status: criteria provided, single submitter. Criteria: Invitae Variant Classification Sherloc (09022015). Collection method: clinical testing. Allele origin: unknown.
Comment: This variant is a gross deletion of the genomic region encompassing exon(s) 2 of the DIAPH1 gene. This variant would be expected to be in-frame, preserving the integrity of the reading frame. This variant has not been reported in the literature in individuals affected with DIAPH1-related conditions. Experimental studies and prediction algorithms are not available or were not evaluated, and the functional significance of this variant is currently unknown. In summary, the available evidence is currently insufficient to determine the role of this variant in disease. Therefore, it has been classified as a Variant of Uncertain Significance.

NC_000005.9:g.(?_140967771)_(140967837_?)del

Gene: DIAPH1 (diaphanous related formin 1; minus strand). Cytogenetic location: 5q31.3.
Variant type: Deletion.
Identifiers: ClinVar variation 3246411 (VCV003246411.1).